The following is an entry in ClinVar:

NM_000231.3(SGCG):c.636A>G (p.Gln212=)

Gene: SGCG (sarcoglycan gamma; plus strand). Cytogenetic location: 13q12.12.
Variant type: single nucleotide variant.
Coding change: c.636A>G on transcript NM_000231.3 (MANE Select); coding-DNA position 636, A replaced by G.
Protein change: p.Gln212=; no amino-acid change (glutamine 212 retained).
Molecular consequence: synonymous variant.
Genome position (GRCh38, 1-based): chr13:23,320,694, A>G. VCF-style: chr13-23320694-A-G. GRCh37 (hg19) VCF-style: chr13-23894833-A-G.
Other names: c.690A>G, p.Gln230= (NM_001378244.1); c.636A>G, p.Gln212= (NM_001378245.1, NM_001378246.1).
Identifiers: ClinVar variation 198407 (VCV000198407.14), dbSNP rs794727841, ClinGen allele CA247040.

ClinVar aggregate classification (germline): Uncertain significance. Review status: criteria provided, multiple submitters, no conflicts (2 of 4 stars). 2 submissions from 2 submitters: Uncertain significance (2). Last evaluated 2022-06-20.

Conditions:
Autosomal recessive limb-girdle muscular dystrophy type 2C (LGMDR5). Also called: MUSCULAR DYSTROPHY, LIMB-GIRDLE, AUTOSOMAL RECESSIVE 5; MUSCULAR DYSTROPHY, DUCHENNE-LIKE. Identifiers: Orphanet 353, MedGen C0410173, MONDO:0009677, OMIM 253700. Disease mechanism: Affects gamma-sarcoglycan and also disrupts the integrity of the entire sarcoglycan complex..

Allele frequency attached by ClinVar (database versions not stated): gnomAD exomes below 0.00001; TOPMed below 0.00001.

Submissions (2):

Labcorp Genetics (formerly Invitae), Labcorp
Classification: Uncertain significance for Autosomal recessive limb-girdle muscular dystrophy type 2C. Last evaluated: 2022-06-20. Review status: criteria provided, single submitter. Criteria: Invitae Variant Classification Sherloc (09022015). Collection method: clinical testing. Allele origin: germline.
Comment: In summary, the available evidence is currently insufficient to determine the role of this variant in disease. Therefore, it has been classified as a Variant of Uncertain Significance. Algorithms developed to predict the effect of sequence changes on RNA splicing suggest that this variant may disrupt the consensus splice site. ClinVar contains an entry for this variant (Variation ID: 198407). This variant has not been reported in the literature in individuals affected with SGCG-related conditions. This variant is not present in population databases (gnomAD no frequency). This sequence change affects codon 212 of the SGCG mRNA. It is a 'silent' change, meaning that it does not change the encoded amino acid sequence of the SGCG protein.

Eurofins Ntd Llc (ga)
Classification: Uncertain significance. Last evaluated: 2014-11-21. Review status: criteria provided, single submitter. Criteria: EGL Classification Definitions 2015. Collection method: clinical testing. Allele origin: germline. Observed: 1 variant allele, 1 heterozygote.